The following is an entry in ClinVar:

ClinVar aggregate classification (germline): Benign (1 of 4 stars; one submission).

Conditions:
Fibrous dysplasia of jaw (CRBM). Also called: Cherubism. Identifiers: Orphanet 184, MedGen C0008029, MONDO:0007315, OMIM 118400.

Allele frequency attached by ClinVar (database versions not stated): TOPMed 0.00029; 1000 Genomes Project 30x 0.00094; 1000 Genomes Project 0.00120.
gnomAD v4.1: 27 of 151,950 alleles (0.018%); highest among the groups gnomAD compares: East Asian, 0.52%; no homozygotes.

Submission:

Illumina Laboratory Services, Illumina
Classification: Benign for Fibrous dysplasia of jaw. Last evaluated: 2018-01-13. Review status: criteria provided, single submitter. Criteria: ICSL Variant Classification Criteria 13 December 2019. Collection method: clinical testing. Allele origin: germline.
Comment: This variant was observed in the ICSL laboratory as part of a predisposition screen in an ostensibly healthy population. It had not been previously curated by ICSL or reported in the Human Gene Mutation Database (HGMD: prior to June 1st, 2018), and was therefore a candidate for classification through an automated scoring system. Utilizing variant allele frequency, disease prevalence and penetrance estimates, and inheritance mode, an automated score was calculated to assess if this variant is too frequent to cause the disease. Based on the score and internal cut-off values, a variant classified as benign is not then subjected to further curation. The score for this variant resulted in a classification of benign for this disease.

NM_001122681.2(SH3BP2):c.*6592G>C

Gene: SH3BP2 (SH3 domain binding protein 2; plus strand). Cytogenetic location: 4p16.3.
Variant type: single nucleotide variant.
Coding change: c.*6592G>C on transcript NM_001122681.2 (MANE Select); 6592 bases downstream of the stop codon, G replaced by C.
Molecular consequence: 3 prime UTR variant.
Genome position (GRCh38, 1-based): chr4:2,840,426, G>C. VCF-style: chr4-2840426-G-C. GRCh37 (hg19) VCF-style: chr4-2842153-G-C.
Other names: c.*6592G>C (LRG_1334t1, LRG_1334t2, NM_003023.4 and 2 more transcripts).
Identifiers: ClinVar variation 348709 (VCV000348709.5), dbSNP rs79866849, ClinGen allele CA10617722.